The following is an entry in ClinVar:

ClinVar aggregate classification (germline): Benign/Likely benign. Review status: criteria provided, multiple submitters, no conflicts (2 of 4 stars). 2 submissions from 2 submitters: Benign (1); Likely benign (1). Last evaluated 2024-05-10.

Conditions:
Familial cancer of breast. Also called: BREAST CANCER, FAMILIAL; Hereditary breast cancer; hereditary breast carcinoma. Identifiers: Orphanet 227535, MedGen C0346153, MONDO:0016419, OMIM 114480. Disease mechanism: loss of function.
Ataxia-telangiectasia syndrome (AT). Also called: Ataxia-telangiectasia, complementation group D; Ataxia-telangiectasia, complementation group E; Cerebello-oculocutaneous telangiectasia; Immunodeficiency with ataxia telangiectasia; Ataxia telangiectasia (A-T); Ataxia-telangiectasia. Identifiers: Orphanet 100, MedGen C0004135, MONDO:0008840, OMIM 208900.

Submissions (2):

Myriad Genetics, Inc.
Classification: Benign for Familial cancer of breast. Last evaluated: 2024-05-10. Review status: criteria provided, single submitter. Criteria: Myriad Autosomal Dominant, Autosomal Recessive and X-Linked Classification Criteria (2023). Collection method: clinical testing. Allele origin: unknown.
Comment: This variant is considered benign. This variant is a silent/synonymous amino acid change and it is not expected to impact splicing.

Labcorp Genetics (formerly Invitae), Labcorp
Classification: Likely benign for Ataxia-telangiectasia syndrome. Last evaluated: 2021-10-19. Review status: criteria provided, single submitter. Criteria: Invitae Variant Classification Sherloc (09022015). Collection method: clinical testing. Allele origin: germline.

NM_000051.4(ATM):c.2781G>A (p.Leu927=)

Gene: ATM (ATM serine/threonine kinase; plus strand). Cytogenetic location: 11q22.3.
Variant type: single nucleotide variant.
Coding change: c.2781G>A on transcript NM_000051.4 (MANE Select); coding-DNA position 2781, G replaced by A.
Protein change: p.Leu927=; no amino-acid change (leucine 927 retained).
Molecular consequence: synonymous variant.
Genome position (GRCh38, 1-based): chr11:108,268,552, G>A. VCF-style: chr11-108268552-G-A. GRCh37 (hg19) VCF-style: chr11-108139279-G-A.
Other names: c.2781G>A, p.Leu927= (NM_001351834.2).
Identifiers: ClinVar variation 1083389 (VCV001083389.8), dbSNP rs770565353, ClinGen allele CA476673973.
Genomic context (GRCh38, chr11:108,268,552, plus strand): 5'-TGTAACTACTGCTCAGACCAATACTGTGTCCTTTAGGGCAGCTGATATTCGGAGGAAATT[G>A]TTAATGTTAATTGATTCTAGCACGCTAGAACCTACCAAATCCCTCCACCTGCATATGGTG-3'
Protein context (NP_000042.3, residues 917-937): SFRAADIRRK[Leu927=]LMLIDSSTLE